The following is an entry in ClinVar:

NM_001142864.4(PIEZO1):c.2440G>A (p.Val814Ile)

Genes: HSALR1 (HSP90AB1 associated lncRNA 1; plus strand), PIEZO1 (piezo type mechanosensitive ion channel component 1 (Er blood group); minus strand). Cytogenetic location: 16q24.3.
Variant type: single nucleotide variant.
Coding change: c.2440G>A on transcript NM_001142864.4 (MANE Select); coding-DNA position 2440, G replaced by A.
Protein change: p.Val814Ile; replaces valine 814 with isoleucine.
Molecular consequence: missense variant.
Genome position (GRCh38, 1-based): chr16:88,733,635, C>T on the plus strand (G>A on the coding strand, the complement: PIEZO1 is on the minus strand). VCF-style: chr16-88733635-C-T. GRCh37 (hg19) VCF-style: chr16-88800043-C-T.
Other names: c.2440G>A (NM_001142864.3); c.982G>A, p.Val328Ile (NM_014745.1); short protein forms V328I, V814I.
Identifiers: ClinVar variation 2218477 (VCV002218477.4), dbSNP rs753334715, ClinGen allele CA8232778.

ClinVar aggregate classification (germline): Conflicting classifications of pathogenicity. Review status: criteria provided, conflicting classifications (1 of 4 stars). 3 submissions from 3 submitters: Uncertain significance (2); Likely benign (1). Last evaluated 2023-09-13.

Conditions:
Inborn genetic diseases. Identifiers: MedGen C0950123, MeSH D030342.
PIEZO1-related disorder. Also called: PIEZO1-related condition; PIEZO1-Related Disorders.
Dehydrated hereditary stomatocytosis with or without pseudohyperkalemia and/or perinatal edema (DHS1). Also called: DEHYDRATED HEREDITARY STOMATOCYTOSIS AND PSEUDOHYPERKALEMIA; DEHYDRATED HEREDITARY STOMATOCYTOSIS WITH PSEUDOHYPERKALEMIA AND PERINATAL EDEMA; Pseudohyperkalemia, familial, 1, due to red cell leak; Dehydrated hereditary stomatocytosis 1 with or without pseudohyperkalemia and/or perinatal edema; PSEUDOHYPERKALEMIA EDINBURGH. Identifiers: Orphanet 3202, MedGen C4551512, MONDO:0008689, OMIM 194380.
Lymphatic malformation 6 (LMPHM6). Also called: GENERALIZED LYMPHATIC DYSPLASIA OF FOTIOU; Lymphedema, hereditary, III; PIEZO1-related generalized lymphatic dysplasia with non-immune hydrops fetalis. Identifiers: Orphanet 568062, MedGen C4225184, MONDO:0014797, OMIM 616843.

Allele frequency attached by ClinVar (database versions not stated): gnomAD 0.00003; TOPMed 0.00005; ExAC 0.00007.
gnomAD v4.1: 46 of 1,549,514 alleles (0.003%); highest among the groups gnomAD compares: Admixed American, 0.024%; 1 homozygote.

Submissions (3):

PreventionGenetics, part of Exact Sciences
Classification: Uncertain significance for PIEZO1-related condition. Last evaluated: 2023-09-13. Review status: criteria provided, single submitter. Criteria: ACMG Guidelines, 2015. Collection method: clinical testing. Allele origin: germline.
Comment: The PIEZO1 c.2440G>A variant is predicted to result in the amino acid substitution p.Val814Ile. To our knowledge, this variant has not been reported in the literature. This variant is reported in 0.028% of alleles in individuals of Latino descent in gnomAD. At this time, the clinical significance of this variant is uncertain due to the absence of conclusive functional and genetic evidence.

Department of Pathology and Laboratory Medicine, Sinai Health System
Classification: Uncertain significance for Dehydrated hereditary stomatocytosis with or without pseudohyperkalemia and/or perinatal edema; Lymphatic malformation 6. Last evaluated: 2022-08-24. Review status: criteria provided, single submitter. Criteria: ACMG Guidelines, 2015. Collection method: research. Allele origin: germline.

Ambry Genetics
Classification: Likely benign for Inborn genetic diseases. Last evaluated: 2022-07-12. Review status: criteria provided, single submitter. Criteria: Ambry Variant Classification Scheme 2023. Collection method: clinical testing. Allele origin: germline.